The following is an entry in ClinVar:

ClinVar aggregate classification (germline): Likely pathogenic (1 of 4 stars; one submission).

Conditions:
Glycine encephalopathy. Also called: Nonketotic hyperglycinemia; Non-ketotic hyperglycinemia. Identifiers: Orphanet 407, MedGen C0751748, MONDO:0011612, HP:0008288.

Allele frequency attached by ClinVar (database versions not stated): ExAC 0.00001; ESP Exome Variant Server 0.00008.

Submission:

Labcorp Genetics (formerly Invitae), Labcorp
Classification: Likely pathogenic for Glycine encephalopathy. Last evaluated: 2025-07-21. Review status: criteria provided, single submitter. Criteria: Invitae Variant Classification Sherloc (09022015). Collection method: clinical testing. Allele origin: germline.
Comment: This sequence change affects a donor splice site in intron 9 of the GLDC gene. It is expected to disrupt RNA splicing. Variants that disrupt the donor or acceptor splice site typically lead to a loss of protein function (PMID: 16199547), and loss-of-function variants in GLDC are known to be pathogenic (PMID: 16601880). This variant is present in population databases (rs375447060, gnomAD 0.007%). This variant has not been reported in the literature in individuals affected with GLDC-related conditions. ClinVar contains an entry for this variant (Variation ID: 2789163). Algorithms developed to predict the effect of sequence changes on RNA splicing suggest that this variant may disrupt the consensus splice site. In summary, the currently available evidence indicates that the variant is pathogenic, but additional data are needed to prove that conclusively. Therefore, this variant has been classified as Likely Pathogenic.

Literature cited by the submitters: PubMed 16199547; PubMed 16601880.

NM_000170.3(GLDC):c.1261+1G>C

Gene: GLDC (glycine decarboxylase; minus strand). Cytogenetic location: 9p24.1.
Variant type: single nucleotide variant.
Coding change: c.1261+1G>C on transcript NM_000170.3 (MANE Select); the canonical splice donor site of the intron after coding-DNA position 1261, G replaced by C.
Molecular consequence: splice donor variant.
Genome position (GRCh38, 1-based): chr9:6,595,013, C>G on the plus strand (G>C on the coding strand, the complement: GLDC is on the minus strand). VCF-style: chr9-6595013-C-G. GRCh37 (hg19) VCF-style: chr9-6595013-C-G.
Identifiers: ClinVar variation 2789163 (VCV002789163.3), dbSNP rs375447060, ClinGen allele CA4980792.
Genomic context (GRCh38, chr9:6,595,013, plus strand): 5'-ATTTTACTCAAATTTATCAATTTTATTATGCCCAAATGTTTTAGACAGATTACCAACTCA[C>G]CTTCTGACAAAATCAAAGTGGCATTATGTACCCTCCTAGCAATATGCTCCAGCCCATGGG-3'